The following is an entry in ClinVar:

ClinVar aggregate classification (germline): Uncertain significance (1 of 4 stars; one submission).

Conditions:
Familial thoracic aortic aneurysm and aortic dissection (TAAD). Also called: Thoracic aortic aneurysms and dissections. Identifiers: Orphanet 91387, MedGen C4707243, MONDO:0019625.

Submission:

Ambry Genetics
Classification: Uncertain significance for Familial thoracic aortic aneurysm and aortic dissection. Last evaluated: 2017-12-22. Review status: criteria provided, single submitter. Criteria: Ambry Variant Classification Scheme 2023. Collection method: clinical testing. Allele origin: germline.
Comment: The p.F1516L variant (also known as c.4546T>C), located in coding exon 25 of the NOTCH1 gene, results from a T to C substitution at nucleotide position 4546. The phenylalanine at codon 1516 is replaced by leucine, an amino acid with highly similar properties. This amino acid position is not well conserved in available vertebrate species. In addition, this alteration is predicted to be tolerated by in silico analysis. Since supporting evidence is limited at this time, the clinical significance of this alteration remains unclear.

NM_017617.5(NOTCH1):c.4546T>C (p.Phe1516Leu)

Gene: NOTCH1 (notch receptor 1; minus strand). Cytogenetic location: 9q34.3.
Variant type: single nucleotide variant.
Coding change: c.4546T>C on transcript NM_017617.5 (MANE Select); coding-DNA position 4546, T replaced by C.
Protein change: p.Phe1516Leu; replaces phenylalanine 1516 with leucine.
Molecular consequence: missense variant.
Genome position (GRCh38, 1-based): chr9:136,505,350, A>G on the plus strand (T>C on the coding strand, the complement: NOTCH1 is on the minus strand). VCF-style: chr9-136505350-A-G. GRCh37 (hg19) VCF-style: chr9-139399802-A-G.
Other names: short protein forms F1516L.
Identifiers: ClinVar variation 1741388 (VCV001741388.2), dbSNP rs2133338638, ClinGen allele CA375646695.